The following is an entry in ClinVar:

ClinVar aggregate classification (germline): Uncertain significance. Review status: criteria provided, multiple submitters, no conflicts (2 of 4 stars). 2 submissions from 2 submitters: Uncertain significance (2). Last evaluated 2026-08-10.

Conditions:
Cardiovascular phenotype. Identifiers: MedGen CN230736.
Myofibrillar myopathy 5. Also called: Filaminopathy (type); FILAMINOPATHY, AUTOSOMAL DOMINANT. Identifiers: Orphanet 171445, MedGen C1836050, MONDO:0012289, OMIM 609524.
Hypertrophic cardiomyopathy 26. Also called: Cardiomyopathy, familial hypertrophic, 26. Identifiers: Orphanet 75249, MedGen C4310749, MONDO:0014883, OMIM 617047.
Distal myopathy with posterior leg and anterior hand involvement. Also called: WILLIAMS DISTAL MYOPATHY. Identifiers: Orphanet 63273, MedGen C3279722, MONDO:0013550, OMIM 614065.

Allele frequency attached by ClinVar (database versions not stated): ExAC 0.00003; TOPMed 0.00001; gnomAD exomes 0.00002 and 0.00005; gnomAD 0.00001.

Submissions (2):

Ambry Genetics
Classification: Uncertain significance for Cardiovascular phenotype. Last evaluated: 2026-08-10. Review status: criteria provided, single submitter. Criteria: Ambry Variant Classification Scheme 2023. Collection method: clinical testing. Allele origin: germline.
Comment: The c.1412-3delT intronic variant is located 3 nucleotides before coding exon 9 of the FLNC gene. This variant results from a deletion of one nucleotide at position c.1412-3. This nucleotide position is poorly conserved in available vertebrate species. In silico splice site analysis predicts that this alteration will not have any significant effect on splicing. Based on the available evidence, the clinical significance of this variant remains unclear.

Labcorp Genetics (formerly Invitae), Labcorp
Classification: Uncertain significance for Distal myopathy with posterior leg and anterior hand involvement; Myofibrillar myopathy 5; Hypertrophic cardiomyopathy 26. Last evaluated: 2025-10-05. Review status: criteria provided, single submitter. Criteria: Invitae Variant Classification Sherloc (09022015). Collection method: clinical testing. Allele origin: germline.
Comment: This sequence change falls in intron 8 of the FLNC gene. It does not directly change the encoded amino acid sequence of the FLNC protein. It affects a nucleotide within the consensus splice site. This variant is present in population databases (rs765490580, gnomAD 0.04%). This variant has not been reported in the literature in individuals affected with FLNC-related conditions. ClinVar contains an entry for this variant (Variation ID: 951072). Variants that disrupt the consensus splice site are a relatively common cause of aberrant splicing (PMID: 17576681, 9536098). Algorithms developed to predict the effect of sequence changes on RNA splicing suggest that this variant is not likely to affect RNA splicing. In summary, the available evidence is currently insufficient to determine the role of this variant in disease. Therefore, it has been classified as a Variant of Uncertain Significance.

Literature cited by the submitters: PubMed 17576681 (cited by Labcorp Genetics (formerly Invitae), Labcorp); PubMed 9536098 (cited by Labcorp Genetics (formerly Invitae), Labcorp).

NM_001458.5(FLNC):c.1412-3del

Gene: FLNC (filamin C; plus strand). Cytogenetic location: 7q32.1.
Variant type: Deletion.
Coding change: c.1412-3del on transcript NM_001458.5 (MANE Select); 3 bases into the intron before coding-DNA position 1412, one base deleted (T; older notation c.1412-3delT).
Molecular consequence: intron variant.
Genome position (GRCh38, 1-based): chr7:128,840,020, T deleted. VCF-style (leftmost placement, unchanged base first): chr7-128840019-CT-C. GRCh37 (hg19) VCF-style: chr7-128480073-CT-C.
Other names: c.1412-3del (NM_001127487.2); c.1412-3delT (NM_001458.4).
Identifiers: ClinVar variation 951072 (VCV000951072.11), dbSNP rs765490580, ClinGen allele CA4474336.